The following is an entry in ClinVar:

NM_000080.4(CHRNE):c.899G>C (p.Ser300Thr)

Genes: C17orf107 (chromosome 17 open reading frame 107; plus strand), CHRNE (cholinergic receptor nicotinic epsilon subunit; minus strand). Cytogenetic location: 17p13.2.
Variant type: single nucleotide variant.
Coding change: c.899G>C on transcript NM_000080.4 (MANE Select); coding-DNA position 899, G replaced by C.
Protein change: p.Ser300Thr; replaces serine 300 with threonine.
Molecular consequence: missense variant. On other transcripts: 3 prime UTR variant (1).
Genome position (GRCh38, 1-based): chr17:4,900,811, C>G on the plus strand (G>C on the coding strand, the complement: CHRNE is on the minus strand). VCF-style: chr17-4900811-C-G. GRCh37 (hg19) VCF-style: chr17-4804106-C-G.
Other names: c.*278C>G (NM_001145536.2); short protein forms S300T.
Identifiers: ClinVar variation 1041465 (VCV001041465.8), dbSNP rs776585678, ClinGen allele CA287182638.

ClinVar aggregate classification (germline): Uncertain significance (1 of 4 stars; one submission).

Conditions:
Congenital myasthenic syndrome 4A. Also called: Myasthenic syndrome, congenital, 4a, slow-channel; MYASTHENIC SYNDROME, CONGENITAL, 4A, SLOW-CHANNEL, AUTOSOMAL RECESSIVE; CONGENITAL MYASTHENIC SYNDROME TYPE Ia1. Identifiers: Orphanet 590, MedGen C4225413, MONDO:0011600, OMIM 605809.

gnomAD v4.1: 1 of 1,614,044 alleles (0.000062%); highest among the groups gnomAD compares: South Asian, 0.0011%; no homozygotes.

Submission:

Labcorp Genetics (formerly Invitae), Labcorp
Classification: Uncertain significance for Congenital myasthenic syndrome 4A. Last evaluated: 2024-10-19. Review status: criteria provided, single submitter. Criteria: Invitae Variant Classification Sherloc (09022015). Collection method: clinical testing. Allele origin: germline.
Comment: This sequence change replaces serine, which is neutral and polar, with threonine, which is neutral and polar, at codon 300 of the CHRNE protein (p.Ser300Thr). This variant is not present in population databases (gnomAD no frequency). This variant has not been reported in the literature in individuals affected with CHRNE-related conditions. ClinVar contains an entry for this variant (Variation ID: 1041465). Invitae Evidence Modeling of protein sequence and biophysical properties (such as structural, functional, and spatial information, amino acid conservation, physicochemical variation, residue mobility, and thermodynamic stability) indicates that this missense variant is not expected to disrupt CHRNE protein function with a negative predictive value of 80%. In summary, the available evidence is currently insufficient to determine the role of this variant in disease. Therefore, it has been classified as a Variant of Uncertain Significance.